The following is an entry in ClinVar:

ClinVar aggregate classification (germline): Pathogenic (1 of 4 stars; one submission).

Conditions:
Neurofibromatosis, type 1 (NF1). Also called: Peripheral type neurofibromatosis; VON RECKLINGHAUSEN DISEASE; NEUROFIBROMATOSIS, TYPE I, SOMATIC; Neurofibromatosis, type I. Identifiers: Orphanet 636, MedGen C0027831, MONDO:0018975, OMIM 162200. Disease mechanism: loss of function.

Submission:

Labcorp Genetics (formerly Invitae), Labcorp
Classification: Pathogenic for Neurofibromatosis, type 1. Last evaluated: 2021-12-20. Review status: criteria provided, single submitter. Criteria: Invitae Variant Classification Sherloc (09022015). Collection method: clinical testing. Allele origin: germline.
Comment: This variant is a gross deletion of the genomic region encompassing exon(s) 2-3 of the NF1 gene. This variant would be expected to be in-frame, preserving the integrity of the reading frame. A similar copy number variant has been observed in individual(s) with neurofibromatosis, type 1 (PMID: 16786508). This variant disrupts a region of the NF1 protein in which other variant(s) (p.Leu43Pro) have been determined to be pathogenic (PMID: 28529006, 31370276; Invitae). This suggests that this is a clinically significant region of the protein, and that variants that disrupt it are likely to be disease-causing. For these reasons, this variant has been classified as Pathogenic.

Literature cited by the submitters: PubMed 16786508; PubMed 28529006; PubMed 31370276.

NC_000017.10:g.(?_29482981)_(29486131_?)del

Gene: NF1 (neurofibromin 1; plus strand). Cytogenetic location: 17q11.2.
Variant type: Deletion.
Identifiers: ClinVar variation 2422718 (VCV002422718.3).